The following is an entry in ClinVar:

NM_001083961.2(WDR62):c.3762C>G (p.Ser1254=)

Gene: WDR62 (WD repeat domain 62; plus strand). Cytogenetic location: 19q13.12.
Variant type: single nucleotide variant.
Coding change: c.3762C>G on transcript NM_001083961.2 (MANE Select); coding-DNA position 3762, C replaced by G.
Protein change: p.Ser1254=; no amino-acid change (serine 1254 retained).
Molecular consequence: synonymous variant.
Genome position (GRCh38, 1-based): chr19:36,103,590, C>G. VCF-style: chr19-36103590-C-G. GRCh37 (hg19) VCF-style: chr19-36594492-C-G.
Other names: c.3747C>G, p.Ser1249= (NM_173636.5).
Identifiers: ClinVar variation 508683 (VCV000508683.8), dbSNP rs771454761, ClinGen allele CA9396386.

ClinVar aggregate classification (germline): Likely benign. Review status: criteria provided, multiple submitters, no conflicts (2 of 4 stars). 2 submissions from 2 submitters: Likely benign (2). Last evaluated 2025-11-25.

Allele frequency attached by ClinVar (database versions not stated): gnomAD 0.00001; TOPMed 0.00003.
gnomAD v4.1: 25 of 1,613,394 alleles (0.0015%); highest among the groups gnomAD compares: Admixed American, 0.04%; no homozygotes.

Submissions (2):

Labcorp Genetics (formerly Invitae), Labcorp
Classification: Likely benign. Last evaluated: 2025-11-25. Review status: criteria provided, single submitter. Criteria: Invitae Variant Classification Sherloc (09022015). Collection method: clinical testing. Allele origin: germline.

GeneDx
Classification: Likely benign. Last evaluated: 2017-04-05. Review status: criteria provided, single submitter. Criteria: GeneDx Variant Classification (06012015). Collection method: clinical testing. Allele origin: germline. Affected: yes.
Comment: This variant is considered likely benign or benign based on one or more of the following criteria: it is a conservative change, it occurs at a poorly conserved position in the protein, it is predicted to be benign by multiple in silico algorithms, and/or has population frequency not consistent with disease.